The following is an entry in ClinVar:

ClinVar aggregate classification (germline): Uncertain significance (1 of 4 stars; one submission).

gnomAD v4.1: 11 of 1,613,622 alleles (0.00068%); highest among the groups gnomAD compares: Non-Finnish European, 0.00093%; no homozygotes.

Submission:

Labcorp Genetics (formerly Invitae), Labcorp
Classification: Uncertain significance. Last evaluated: 2025-07-03. Review status: criteria provided, single submitter. Criteria: Invitae Variant Classification Sherloc (09022015). Collection method: clinical testing. Allele origin: germline.
Comment: This sequence change replaces arginine, which is basic and polar, with leucine, which is neutral and non-polar, at codon 760 of the ADCY5 protein (p.Arg760Leu). This variant is present in population databases (no rsID available, gnomAD 0.0009%). This variant has not been reported in the literature in individuals affected with ADCY5-related conditions. ClinVar contains an entry for this variant (Variation ID: 3001221). Invitae Evidence Modeling of protein sequence and biophysical properties (such as structural, functional, and spatial information, amino acid conservation, physicochemical variation, residue mobility, and thermodynamic stability) has been performed for this missense variant. However, the output from this modeling did not meet the statistical confidence thresholds required to predict the impact of this variant on ADCY5 protein function. In summary, the available evidence is currently insufficient to determine the role of this variant in disease. Therefore, it has been classified as a Variant of Uncertain Significance.

NM_183357.3(ADCY5):c.2279G>T (p.Arg760Leu)

Gene: ADCY5 (adenylate cyclase 5; minus strand). Cytogenetic location: 3q21.1.
Variant type: single nucleotide variant.
Coding change: c.2279G>T on transcript NM_183357.3 (MANE Select); coding-DNA position 2279, G replaced by T.
Protein change: p.Arg760Leu; replaces arginine 760 with leucine.
Molecular consequence: missense variant.
Genome position (GRCh38, 1-based): chr3:123,318,095, C>A on the plus strand (G>T on the coding strand, the complement: ADCY5 is on the minus strand). VCF-style: chr3-123318095-C-A. GRCh37 (hg19) VCF-style: chr3-123036942-C-A.
Other names: c.1229G>T, p.Arg410Leu (NM_001199642.1); c.2279G>T, p.Arg760Leu (NM_001378259.1); short protein forms R760L, R410L.
Identifiers: ClinVar variation 3001221 (VCV003001221.3), dbSNP rs766054571, ClinGen allele CA354217660.